The following is an entry in ClinVar:

NM_005188.4(CBL):c.1438C>T (p.Arg480Trp)

Gene: CBL (Cbl proto-oncogene; plus strand). Cytogenetic location: 11q23.3.
Variant type: single nucleotide variant.
Coding change: c.1438C>T on transcript NM_005188.4 (MANE Select); coding-DNA position 1438, C replaced by T.
Protein change: p.Arg480Trp; replaces arginine 480 with tryptophan.
Molecular consequence: missense variant.
Genome position (GRCh38, 1-based): chr11:119,284,975, C>T. VCF-style: chr11-119284975-C-T. GRCh37 (hg19) VCF-style: chr11-119155685-C-T.
Other names: short protein forms R480W.
Identifiers: ClinVar variation 1810171 (VCV001810171.2), dbSNP rs1301223407, ClinGen allele CA382917674.
Genomic context (GRCh38, chr11:119,284,975, plus strand): 5'-AAGATGCCATTTCCCCAAACGAAAGTAATCTGTTAAATTTTTTATGTACCCTAGGTGGAA[C>T]GGCCGCCTTCTCCATTCTCCATGGCCCCACAAGCTTCCCTTCCCCCGGTGCCACCACGAC-3'
Protein context (NP_005179.2, residues 470-490): MKELAGAKVE[Arg480Trp]PPSPFSMAPQ

ClinVar aggregate classification (germline): Uncertain significance. Review status: criteria provided, multiple submitters, no conflicts (2 of 4 stars). 2 submissions from 2 submitters: Uncertain significance (2). Last evaluated 2025-02-26.

Conditions:
Cardiovascular phenotype. Identifiers: MedGen CN230736.

Allele frequency attached by ClinVar (database versions not stated): gnomAD exomes below 0.00001.
gnomAD v4.1: 2 of 1,614,132 alleles (0.00012%); highest among the groups gnomAD compares: Non-Finnish European, 0.000085%; no homozygotes.

Submissions (2):

Ambry Genetics
Classification: Uncertain significance for Cardiovascular phenotype. Last evaluated: 2025-02-26. Review status: criteria provided, single submitter. Criteria: Ambry Variant Classification Scheme 2023. Collection method: clinical testing. Allele origin: germline.
Comment: The p.R480W variant (also known as c.1438C>T), located in coding exon 10 of the CBL gene, results from a C to T substitution at nucleotide position 1438. The arginine at codon 480 is replaced by tryptophan, an amino acid with dissimilar properties. This amino acid position is conserved. In addition, the in silico prediction for this alteration is inconclusive. Based on the available evidence, the clinical significance of this variant remains unclear.

GeneDx
Classification: Uncertain significance. Last evaluated: 2022-12-26. Review status: criteria provided, single submitter. Criteria: GeneDx Variant Classification Process June 2021. Collection method: clinical testing. Allele origin: germline. Affected: yes.
Comment: Has not been previously published as pathogenic or benign to our knowledge; Not observed at significant frequency in large population cohorts (gnomAD); In silico analysis supports that this missense variant does not alter protein structure/function; This variant is associated with the following publications: (PMID: 20619386)